The following is an entry in ClinVar:

NM_004341.5(CAD):c.478C>T (p.Pro160Ser)

Gene: CAD (carbamoyl-phosphate synthetase 2, aspartate transcarbamylase, and dihydroorotase; plus strand). Cytogenetic location: 2p23.3.
Variant type: single nucleotide variant.
Coding change: c.478C>T on transcript NM_004341.5 (MANE Select); coding-DNA position 478, C replaced by T.
Protein change: p.Pro160Ser; replaces proline 160 with serine.
Molecular consequence: missense variant.
Genome position (GRCh38, 1-based): chr2:27,222,319, C>T. VCF-style: chr2-27222319-C-T. GRCh37 (hg19) VCF-style: chr2-27445187-C-T.
Other names: c.478C>T, p.Pro160Ser (NM_001306079.2); short protein forms P160S.
Identifiers: ClinVar variation 1418288 (VCV001418288.5), dbSNP rs892516093, ClinGen allele CA44491997.

ClinVar aggregate classification (germline): Uncertain significance (1 of 4 stars; one submission).

Allele frequency attached by ClinVar (database versions not stated): gnomAD exomes below 0.00001; gnomAD 0.00001; TOPMed 0.00002.
gnomAD v4.1: 4 of 1,612,196 alleles (0.00025%); highest among the groups gnomAD compares: African/African-American, 0.004%; no homozygotes.

Submission:

Labcorp Genetics (formerly Invitae), Labcorp
Classification: Uncertain significance. Last evaluated: 2022-10-17. Review status: criteria provided, single submitter. Criteria: Invitae Variant Classification Sherloc (09022015). Collection method: clinical testing. Allele origin: germline.
Comment: This sequence change replaces proline, which is neutral and non-polar, with serine, which is neutral and polar, at codon 160 of the CAD protein (p.Pro160Ser). This variant is present in population databases (no rsID available, gnomAD 0.007%). This variant has not been reported in the literature in individuals affected with CAD-related conditions. ClinVar contains an entry for this variant (Variation ID: 1418288). Algorithms developed to predict the effect of missense changes on protein structure and function (SIFT, PolyPhen-2, Align-GVGD) all suggest that this variant is likely to be tolerated. In summary, the available evidence is currently insufficient to determine the role of this variant in disease. Therefore, it has been classified as a Variant of Uncertain Significance.